The following is an entry in ClinVar:

ClinVar aggregate classification (germline): Likely pathogenic. Review status: criteria provided, multiple submitters, no conflicts (2 of 4 stars). 2 submissions from 2 submitters: Likely pathogenic (2). Last evaluated 2025-07-03.

Conditions:
Cardiovascular phenotype. Identifiers: MedGen CN230736.
APOC2-related disorder. Also called: APOC2-related condition.

gnomAD v4.1: 1 of 1,614,154 alleles (0.000062%); highest among the groups gnomAD compares: Non-Finnish European, 0.000085%; no homozygotes.

Submissions (2):

Ambry Genetics
Classification: Likely pathogenic for Cardiovascular phenotype. Last evaluated: 2025-07-03. Review status: criteria provided, single submitter. Criteria: Ambry Variant Classification Scheme 2023. Collection method: clinical testing. Allele origin: germline.
Comment: The p.Q25* variant (also known as c.73C>T), located in coding exon 2 of the APOC2 gene, results from a C to T substitution at nucleotide position 73. This changes the amino acid from a glutamine to a stop codon within coding exon 2. The predicted stop codon occurs in the 5&rsquo; end of theAPOC2 gene. Premature termination codons in the 5&rsquo; end of a gene have been reported to escape nonsense-mediated mRNAdecay and/or lead to re-initiation (Rivas et al. Science. 2015 May 8;348(6235):666-9; Lindeboom et al. Nat Genet. 2016 Oct;48(10):1112-8; Rhee et al. Sci Rep. 2017 May 10;7(1):1653). Direct evidence for this alteration is unavailable, however premature termination codons are typically deleterious in nature. This variant has been identified in the homozygous state in individual(s) with features consistent with APOC2-related chylomicronemia syndrome (Kose E et al. J Pediatr Endocrinol Metab, 2018 Nov;31:1289-1293). This variant is considered to be rare based on population cohorts in the Genome Aggregation Database (gnomAD). Based on the majority of available evidence to date, this variant is likely to be pathogenic.

Blueprint Genetics
Classification: Likely pathogenic for APOC2-related disorders. Last evaluated: 2020-11-10. Review status: criteria provided, single submitter. Criteria: ACMG Guidelines, 2015. Collection method: clinical testing. Allele origin: germline. Affected: yes. Observed: 1 variant allele.

Literature cited by the submitters: PubMed 30307897 (cited by Ambry Genetics).

NM_000483.5(APOC2):c.73C>T (p.Gln25Ter)

Genes: APOC2 (apolipoprotein C2; plus strand), APOC4-APOC2 (APOC4-APOC2 readthrough (NMD candidate); plus strand). Cytogenetic location: 19q13.32.
Variant type: single nucleotide variant.
Coding change: c.73C>T on transcript NM_000483.5 (MANE Select); coding-DNA position 73, C replaced by T.
Protein change: p.Gln25Ter; replaces glutamine 25 with a stop codon.
Molecular consequence: nonsense. On other transcripts: non-coding transcript variant (1).
Genome position (GRCh38, 1-based): chr19:44,948,718, C>T. VCF-style: chr19-44948718-C-T. GRCh37 (hg19) VCF-style: chr19-45451975-C-T.
Other names: short protein forms Q25*.
Identifiers: ClinVar variation 4126902 (VCV004126902.2).